The following is an entry in ClinVar:

NM_006514.4(SCN10A):c.3220C>T (p.Pro1074Ser)

Genes: SCN10A (sodium voltage-gated channel alpha subunit 10; minus strand), LOC110121288 (VISTA enhancer hs2268; plus strand). Cytogenetic location: 3p22.2.
Variant type: single nucleotide variant.
Coding change: c.3220C>T on transcript NM_006514.4 (MANE Select); coding-DNA position 3220, C replaced by T.
Protein change: p.Pro1074Ser; replaces proline 1074 with serine.
Molecular consequence: missense variant.
Genome position (GRCh38, 1-based): chr3:38,725,182, G>A on the plus strand (C>T on the coding strand, the complement: SCN10A is on the minus strand). VCF-style: chr3-38725182-G-A. GRCh37 (hg19) VCF-style: chr3-38766673-G-A.
Other names: c.3217C>T, p.Pro1073Ser (NM_001293306.2); c.2926C>T, p.Pro976Ser (NM_001293307.2); short protein forms P1073S, P1074S, P976S.
Identifiers: ClinVar variation 1729080 (VCV001729080.2), dbSNP rs749045543, ClinGen allele CA2320320.

ClinVar aggregate classification (germline): Uncertain significance (1 of 4 stars; one submission).

Conditions:
Cardiovascular phenotype. Identifiers: MedGen CN230736.

Allele frequency attached by ClinVar (database versions not stated): gnomAD exomes below 0.00001; ExAC 0.00001.
gnomAD v4.1: 5 of 1,592,036 alleles (0.00031%); highest among the groups gnomAD compares: Non-Finnish European, 0.00043%; no homozygotes.

Submission:

Ambry Genetics
Classification: Uncertain significance for Cardiovascular phenotype. Last evaluated: 2021-08-30. Review status: criteria provided, single submitter. Criteria: Ambry Variant Classification Scheme 2023. Collection method: clinical testing. Allele origin: germline.
Comment: The p.P1074S variant (also known as c.3220C>T), located in coding exon 17 of the SCN10A gene, results from a C to T substitution at nucleotide position 3220. The proline at codon 1074 is replaced by serine, an amino acid with similar properties. This amino acid position is conserved. In addition, this alteration is predicted to be tolerated by in silico analysis. Since supporting evidence is limited at this time, the clinical significance of this alteration remains unclear.